The following is an entry in ClinVar:

ClinVar aggregate classification (germline): Likely benign. Review status: criteria provided, multiple submitters, no conflicts (2 of 4 stars). 2 submissions from 2 submitters: Likely benign (2). Last evaluated 2024-12-16.

Conditions:
Hereditary cancer-predisposing syndrome. Also called: Hereditary neoplastic syndrome; Tumor predisposition; Hereditary Cancer Syndrome; Neoplastic Syndromes, Hereditary. Identifiers: Orphanet 140162, MedGen C0027672, MeSH D009386, MONDO:0015356.
Lynch syndrome 5 (LYNCH5). Also called: Colorectal cancer, hereditary nonpolyposis, type 5; Hereditary non-polyposis colorectal cancer, type 5. Identifiers: Orphanet 144, MedGen C1833477, MONDO:0013710, OMIM 614350. Disease mechanism: loss of function.

Allele frequency attached by ClinVar (database versions not stated): gnomAD 0.00001; TOPMed 0.00002.

Submissions (2):

Myriad Genetics, Inc.
Classification: Likely benign for Lynch syndrome 5. Last evaluated: 2024-12-16. Review status: criteria provided, single submitter. Criteria: Myriad Autosomal Dominant, Autosomal Recessive and X-Linked Classification Criteria (2023). Collection method: clinical testing. Allele origin: unknown.
Comment: This variant is considered likely benign. Homozygosity for this variant has been confirmed in one or more individuals lacking clinical features consistent with gene-specific recessive disease, indicating that this variant is unlikely to be pathogenic.

Color Diagnostics, LLC DBA Color Health
Classification: Likely benign for Hereditary cancer-predisposing syndrome. Last evaluated: 2017-04-17. Review status: criteria provided, single submitter. Criteria: ACMG Guidelines, 2015. Collection method: clinical testing. Allele origin: germline.

NM_000179.3(MSH6):c.-16C>T

Gene: MSH6 (mutS homolog 6; plus strand). Cytogenetic location: 2p16.3.
Variant type: single nucleotide variant.
Coding change: c.-16C>T on transcript NM_000179.3 (MANE Select); 16 bases upstream of the start codon, C replaced by T.
Molecular consequence: 5 prime UTR variant.
Genome position (GRCh38, 1-based): chr2:47,783,218, C>T. VCF-style: chr2-47783218-C-T. GRCh37 (hg19) VCF-style: chr2-48010357-C-T.
Other names: c.-16C>T (NM_001281492.2); c.-752C>T (NM_001281493.2).
Identifiers: ClinVar variation 491857 (VCV000491857.4), dbSNP rs1064794403, ClinGen allele CA532350610.